The following is an entry in ClinVar:

ClinVar aggregate classification (germline): Conflicting classifications of pathogenicity. Review status: criteria provided, conflicting classifications (1 of 4 stars). 7 submissions from 7 submitters: Uncertain significance (1); Benign (4); Likely benign (2). Last evaluated 2026-09-01.

Conditions:
Arthrogryposis, distal, type 1B. Identifiers: Orphanet 1146, MedGen C3280526, MONDO:0013698, OMIM 614335.

Allele frequency attached by ClinVar (database versions not stated): 1000 Genomes Project 0.00359; gnomAD 0.00369 and 0.00385; 1000 Genomes Project 30x 0.00390; TOPMed 0.00447; ESP Exome Variant Server 0.00523.
gnomAD v4.1: 1,454 of 1,612,238 alleles (0.09%); highest among the groups gnomAD compares: African/African-American, 1.4%; 13 homozygotes.

Submissions (7):

CeGaT Center for Human Genetics Tuebingen
Classification: Benign. Last evaluated: 2026-09-01. Review status: criteria provided, single submitter. Criteria: CeGaT Center For Human Genetics Tuebingen Variant Classification Criteria Version 2. Collection method: clinical testing. Allele origin: germline. Affected: yes. Observed: 1 variant allele.
Comment: MYBPC1: BP4, BP7, BS1, BS2

Mayo Clinic Laboratories, Mayo Clinic
Classification: Benign. Last evaluated: 2025-04-15. Review status: criteria provided, single submitter. Criteria: ACMG Guidelines, 2015. Collection method: clinical testing. Allele origin: germline. Observed: 1 variant allele.
Comment: BA1, BP4, BP7

Blueprint Genetics
Classification: Likely benign. Last evaluated: 2024-11-01. Review status: criteria provided, single submitter. Criteria: ACMG Guidelines, 2015. Collection method: clinical testing. Allele origin: germline.

GeneDx
Classification: Likely benign. Last evaluated: 2021-02-18. Review status: criteria provided, single submitter. Criteria: GeneDx Variant Classification Process June 2021. Collection method: clinical testing. Allele origin: germline. Affected: yes.

Labcorp Genetics (formerly Invitae), Labcorp
Classification: Benign. Last evaluated: 2019-12-31. Review status: criteria provided, single submitter. Criteria: Invitae Variant Classification Sherloc (09022015). Collection method: clinical testing. Allele origin: germline.

Illumina Laboratory Services, Illumina
Classification: Benign for Arthrogryposis, distal, type 1B. Last evaluated: 2018-03-29. Review status: criteria provided, single submitter. Criteria: ICSL Variant Classification Criteria 13 December 2019. Collection method: clinical testing. Allele origin: germline.
Comment: This variant was observed in the ICSL laboratory as part of a predisposition screen in an ostensibly healthy population. It had not been previously curated by ICSL or reported in the Human Gene Mutation Database (HGMD: prior to June 1st, 2018), and was therefore a candidate for classification through an automated scoring system. Utilizing variant allele frequency, disease prevalence and penetrance estimates, and inheritance mode, an automated score was calculated to assess if this variant is too frequent to cause the disease. Based on the score and internal cut-off values, a variant classified as benign is not then subjected to further curation. The score for this variant resulted in a classification of benign for this disease.

Genetic Services Laboratory, University of Chicago
Classification: Uncertain significance. Last evaluated: 2014-10-27. Review status: criteria provided, single submitter. Criteria: ACMG Guidelines, 2015. Collection method: clinical testing. Allele origin: germline.

NM_002465.4(MYBPC1):c.129C>T (p.Ser43=)

Gene: MYBPC1 (myosin binding protein C1; plus strand). Cytogenetic location: 12q23.2.
Variant type: single nucleotide variant.
Coding change: c.129C>T on transcript NM_002465.4 (MANE Select); coding-DNA position 129, C replaced by T.
Protein change: p.Ser43=; no amino-acid change (serine 43 retained).
Molecular consequence: synonymous variant. On other transcripts: intron variant (13).
Genome position (GRCh38, 1-based): chr12:101,626,897, C>T. VCF-style: chr12-101626897-C-T. GRCh37 (hg19) VCF-style: chr12-102020675-C-T.
Other names: p.Ser43=; c.51C>T, p.Ser17= (NM_001254723.3); c.129C>T, p.Ser43= (NM_001404675.1, NM_206819.4); c.104-2537C>T (NM_001254718.3, NM_206820.4, NM_001254719.3 and 4 more transcripts); c.68-2537C>T (NM_001254720.3); c.26-2537C>T (NM_001254722.3, NM_001404680.1, NM_001404679.1 and 2 more transcripts).
Identifiers: ClinVar variation 211543 (VCV000211543.19), dbSNP rs138170393, ClinGen allele CA205404.